The following is an entry in ClinVar:

ClinVar aggregate classification (germline): Uncertain significance. Review status: criteria provided, multiple submitters, no conflicts (2 of 4 stars). 2 submissions from 2 submitters: Uncertain significance (2). Last evaluated 2026-06-29.

Conditions:
TRPM1-related disorder. Also called: TRPM1-related condition.

Allele frequency attached by ClinVar (database versions not stated): 1000 Genomes Project below 0.00001; ExAC 0.00002; gnomAD exomes 0.00002 and 0.00004; gnomAD 0.00003 and 0.00004; TOPMed 0.00008.
gnomAD v4.1: 28 of 1,614,082 alleles (0.0017%); highest among the groups gnomAD compares: Middle Eastern, 0.016%; no homozygotes.

Submissions (2):

PreventionGenetics, part of Exact Sciences
Classification: Uncertain significance for TRPM1-related condition. Last evaluated: 2026-06-29. Review status: criteria provided, single submitter. Criteria: ACMG Guidelines, 2015. Collection method: clinical testing. Allele origin: germline.
Comment: The TRPM1 c.907G>A variant is predicted to result in the amino acid substitution p.Val303Ile. To our knowledge, this variant has not been reported in the literature in association with retinal disease. This variant is reported in 0.014% of alleles in individuals of Latino descent in gnomAD. At this time, the clinical significance of this variant is uncertain due to the absence of conclusive functional and genetic evidence.

Labcorp Genetics (formerly Invitae), Labcorp
Classification: Uncertain significance. Last evaluated: 2022-03-16. Review status: criteria provided, single submitter. Criteria: Invitae Variant Classification Sherloc (09022015). Collection method: clinical testing. Allele origin: germline.
Comment: This sequence change replaces valine, which is neutral and non-polar, with isoleucine, which is neutral and non-polar, at codon 264 of the TRPM1 protein (p.Val264Ile). This variant is present in population databases (rs199544597, gnomAD 0.01%). This variant has not been reported in the literature in individuals affected with TRPM1-related conditions. ClinVar contains an entry for this variant (Variation ID: 852151). Algorithms developed to predict the effect of missense changes on protein structure and function are either unavailable or do not agree on the potential impact of this missense change (SIFT: "Deleterious"; PolyPhen-2: "Probably Damaging"; Align-GVGD: "Class C0"). In summary, the available evidence is currently insufficient to determine the role of this variant in disease. Therefore, it has been classified as a Variant of Uncertain Significance.

NM_001252024.2(TRPM1):c.856G>A (p.Val286Ile)

Gene: TRPM1 (transient receptor potential cation channel subfamily M member 1; minus strand). Cytogenetic location: 15q13.3.
Variant type: single nucleotide variant.
Coding change: c.856G>A on transcript NM_001252024.2 (MANE Select); coding-DNA position 856, G replaced by A.
Protein change: p.Val286Ile; replaces valine 286 with isoleucine.
Molecular consequence: missense variant.
Genome position (GRCh38, 1-based): chr15:31,063,227, C>T on the plus strand (G>A on the coding strand, the complement: TRPM1 is on the minus strand). VCF-style: chr15-31063227-C-T. GRCh37 (hg19) VCF-style: chr15-31355430-C-T.
Other names: c.907G>A (NM_001252020.1); c.907G>A, p.Val303Ile (NM_001252020.2); c.790G>A, p.Val264Ile (NM_002420.6); short protein forms V303I, V264I, V286I.
Identifiers: ClinVar variation 852151 (VCV000852151.8), dbSNP rs199544597, ClinGen allele CA7452777.